The following is an entry in ClinVar:

NM_032444.4(SLX4):c.867G>C (p.Glu289Asp)

Gene: SLX4 (SLX4 structure-specific endonuclease subunit; minus strand). Cytogenetic location: 16p13.3.
Variant type: single nucleotide variant.
Coding change: c.867G>C on transcript NM_032444.4 (MANE Select); coding-DNA position 867, G replaced by C.
Protein change: p.Glu289Asp; replaces glutamic acid 289 with aspartic acid.
Molecular consequence: missense variant.
Genome position (GRCh38, 1-based): chr16:3,602,201, C>G on the plus strand (G>C on the coding strand, the complement: SLX4 is on the minus strand). VCF-style: chr16-3602201-C-G. GRCh37 (hg19) VCF-style: chr16-3652202-C-G.
Other names: short protein forms E289D.
Identifiers: ClinVar variation 2079116 (VCV002079116.1), dbSNP rs1256655431, ClinGen allele CA394532332.
Genomic context (GRCh38, chr16:3,602,201, plus strand): 5'-GGTCACGTTCATGGCTGAGAGGTTCTTTTGACAAATCTGGCAGAAGAACAAACCCTTTTC[C>G]TCCAGGCTATCATCATGTGCCGATGCTCCTACCCGTGCAAACTCCTGCTGCAGGGTCAAG-3'
Protein context (NP_115820.2, residues 279-299): VGASAHDDSL[Glu289Asp]EKGLFFCQIC

ClinVar aggregate classification (germline): Uncertain significance (1 of 4 stars; one submission).

Conditions:
Fanconi anemia (FA). Also called: Fanconi's anemia. Identifiers: Orphanet 84, MedGen C0015625, MeSH D005199, MONDO:0019391.

Allele frequency attached by ClinVar (database versions not stated): gnomAD 0.00001; TOPMed 0.00002.

Submission:

Labcorp Genetics (formerly Invitae), Labcorp
Classification: Uncertain significance for Fanconi anemia. Last evaluated: 2022-01-06. Review status: criteria provided, single submitter. Criteria: Invitae Variant Classification Sherloc (09022015). Collection method: clinical testing. Allele origin: germline.
Comment: This sequence change replaces glutamic acid, which is acidic and polar, with aspartic acid, which is acidic and polar, at codon 289 of the SLX4 protein (p.Glu289Asp). This variant is present in population databases (no rsID available, gnomAD 0.01%). This variant has not been reported in the literature in individuals affected with SLX4-related conditions. Algorithms developed to predict the effect of missense changes on protein structure and function are either unavailable or do not agree on the potential impact of this missense change (SIFT: "Deleterious"; PolyPhen-2: "Probably Damaging"; Align-GVGD: "Class C0"). In summary, the available evidence is currently insufficient to determine the role of this variant in disease. Therefore, it has been classified as a Variant of Uncertain Significance.